The following is an entry in ClinVar:

ClinVar aggregate classification (germline): Uncertain significance (1 of 4 stars; one submission).

Conditions:
Martsolf syndrome (MARTS). Also called: Congenital cataract with intellectual disability and hypogonadotropic hypogonadism syndrome. Identifiers: Orphanet 1387, MedGen C0796037, MONDO:0023910.
Warburg micro syndrome 2 (WARBM2). Also called: MICRO SYNDROME 2. Identifiers: Orphanet 2510, MedGen C3280214, MONDO:0013641, OMIM 614225.

gnomAD v4.1: 9 of 1,613,958 alleles (0.00056%); highest among the groups gnomAD compares: Non-Finnish European, 0.00068%; no homozygotes.

Submission:

Labcorp Genetics (formerly Invitae), Labcorp
Classification: Uncertain significance for Martsolf syndrome; Warburg micro syndrome 2. Last evaluated: 2022-09-01. Review status: criteria provided, single submitter. Criteria: Invitae Variant Classification Sherloc (09022015). Collection method: clinical testing. Allele origin: germline.
Comment: In summary, the available evidence is currently insufficient to determine the role of this variant in disease. Therefore, it has been classified as a Variant of Uncertain Significance. Variants that disrupt the consensus splice site are a relatively common cause of aberrant splicing (PMID: 17576681, 9536098). Algorithms developed to predict the effect of sequence changes on RNA splicing suggest that this variant is not likely to affect RNA splicing. This variant has not been reported in the literature in individuals affected with RAB3GAP2-related conditions. This variant is not present in population databases (gnomAD no frequency). This sequence change falls in intron 15 of the RAB3GAP2 gene. It does not directly change the encoded amino acid sequence of the RAB3GAP2 protein. It affects a nucleotide within the consensus splice site.

Literature cited by the submitters: PubMed 17576681; PubMed 9536098.

NM_012414.4(RAB3GAP2):c.1631+6G>T

Gene: RAB3GAP2 (RAB3 GTPase activating non-catalytic protein subunit 2; minus strand). Cytogenetic location: 1q41.
Variant type: single nucleotide variant.
Coding change: c.1631+6G>T on transcript NM_012414.4 (MANE Select); 6 bases into the intron after coding-DNA position 1631, G replaced by T.
Molecular consequence: intron variant.
Genome position (GRCh38, 1-based): chr1:220,190,371, C>A on the plus strand (G>T on the coding strand, the complement: RAB3GAP2 is on the minus strand). VCF-style: chr1-220190371-C-A. GRCh37 (hg19) VCF-style: chr1-220363713-C-A.
Identifiers: ClinVar variation 2102951 (VCV002102951.4), dbSNP rs780059285, ClinGen allele CA37562935.